The following is an entry in ClinVar:

ClinVar aggregate classification (germline): Likely benign (1 of 4 stars; one submission).

gnomAD v4.1: 1 of 1,604,510 alleles (0.000062%); highest among the groups gnomAD compares: Non-Finnish European, 0.000085%; no homozygotes.

Submission:

CeGaT Center for Human Genetics Tuebingen
Classification: Likely benign. Last evaluated: 2024-11-01. Review status: criteria provided, single submitter. Criteria: CeGaT Center For Human Genetics Tuebingen Variant Classification Criteria Version 2. Collection method: clinical testing. Allele origin: germline. Affected: yes. Observed: 1 variant allele.
Comment: TRAPPC11: BP4, BP7

NM_021942.6(TRAPPC11):c.411G>A (p.Val137=)

Gene: TRAPPC11 (trafficking protein particle complex subunit 11; plus strand). Cytogenetic location: 4q35.1.
Variant type: single nucleotide variant.
Coding change: c.411G>A on transcript NM_021942.6 (MANE Select); coding-DNA position 411, G replaced by A.
Protein change: p.Val137=; no amino-acid change (valine 137 retained).
Molecular consequence: synonymous variant.
Genome position (GRCh38, 1-based): chr4:183,667,096, G>A. VCF-style: chr4-183667096-G-A. GRCh37 (hg19) VCF-style: chr4-184588249-G-A.
Other names: c.411G>A, p.Val137= (NM_199053.3).
Identifiers: ClinVar variation 3390163 (VCV003390163.14).
Genomic context (GRCh38, chr4:183,667,096, plus strand): 5'-TTTATTCTTGCTTTTTCATTGCAGGCAAAGTTTACAAGGAAGAAACACAAAAGTTGCAGT[G>A]GTTCTGATTCAGAAGAAAACCCCTTTGCCCCCAGGTATCAGAAGTCTAATTAATGAATTA-3'
Protein context (NP_068761.4, residues 127-147): SLQGRNTKVA[Val137=]VLIQKKTPLP